The following is an entry in ClinVar:

NM_030957.4(ADAMTS10):c.2361C>G (p.Ser787Arg)

Gene: ADAMTS10 (ADAM metallopeptidase with thrombospondin type 1 motif 10; minus strand). Cytogenetic location: 19p13.2.
Variant type: single nucleotide variant.
Coding change: c.2361C>G on transcript NM_030957.4 (MANE Select); coding-DNA position 2361, C replaced by G.
Protein change: p.Ser787Arg; replaces serine 787 with arginine.
Molecular consequence: missense variant.
Genome position (GRCh38, 1-based): chr19:8,586,600, G>C on the plus strand (C>G on the coding strand, the complement: ADAMTS10 is on the minus strand). VCF-style: chr19-8586600-G-C. GRCh37 (hg19) VCF-style: chr19-8651484-G-C.
Other names: c.822C>G, p.Ser274Arg (NM_001282352.2); short protein forms S274R, S787R.
Identifiers: ClinVar variation 2500013 (VCV002500013.1), dbSNP rs1555737301, ClinGen allele CA403749955.
Genomic context (GRCh38, chr19:8,586,600, plus strand): 5'-CCCCAGTCTCCCTGTTACCATGACGATGAGAGATGCATTAATCGGTCCCAGGGCTTCGAG[G>C]CTCTGGACCTGGTCTGGCCCCTGTCGCAGTTGAAAGGTGGTCCCAGCTAGAGGCAGACGG-3'
Protein context (NP_112219.3, residues 777-797): QLRQGPDQVQ[Ser787Arg]LEALGPINAS

ClinVar aggregate classification (germline): Uncertain significance (1 of 4 stars; one submission).

Conditions:
Weill-Marchesani syndrome 1 (WMS1). Also called: Weill-Marchesani Syndrome, Autosomal Recessive; Weill-Marchesani syndrome 1, recessive; ADAMTS10-Related Weill-Marchesani Syndrome. Identifiers: Orphanet 3449, MedGen C4552002, MONDO:0010194, OMIM 277600.

gnomAD v4.1: 1 of 1,614,008 alleles (0.000062%); highest among the groups gnomAD compares: Non-Finnish European, 0.000085%; no homozygotes.

Submission:

Center for Genomics, Ann and Robert H. Lurie Children's Hospital of Chicago
Classification: Uncertain significance for Weill-Marchesani syndrome 1. Last evaluated: 2022-10-24. Review status: criteria provided, single submitter. Criteria: ACMG Guidelines, 2015. Collection method: clinical testing. Allele origin: germline.
Comment: This variant has not been reported in the literature but is present in the Genome Aggregation Databases (Highest reported MAF: 0.0009% [1/113718]). Evolutionary conservation and computational prediction tools suggest that this variant may not impact the protein. In summary, data on this variant is insufficient for disease classification. Therefore, the clinical significance of this variant is uncertain.